The following is an entry in ClinVar:

NM_012254.3(SLC27A5):c.1585G>C (p.Val529Leu)

Genes: SLC27A5 (solute carrier family 27 member 5; minus strand), LOC130065229 (ATAC-STARR-seq lymphoblastoid active region 15205; plus strand). Cytogenetic location: 19q13.43.
Variant type: single nucleotide variant.
Coding change: c.1585G>C on transcript NM_012254.3 (MANE Select); coding-DNA position 1585, G replaced by C.
Protein change: p.Val529Leu; replaces valine 529 with leucine.
Molecular consequence: missense variant.
Genome position (GRCh38, 1-based): chr19:58,499,574, C>G on the plus strand (G>C on the coding strand, the complement: SLC27A5 is on the minus strand). VCF-style: chr19-58499574-C-G. GRCh37 (hg19) VCF-style: chr19-59010941-C-G.
Other names: c.1333G>C, p.Val445Leu (NM_001321196.2); short protein forms V445L, V529L.
Identifiers: ClinVar variation 3353835 (VCV003353835.1).

ClinVar aggregate classification (germline): Uncertain significance (0 of 4 stars; one submission).

Conditions:
SLC27A5-related disorder. Also called: SLC27A5-related condition.

gnomAD v4.1: 34 of 1,613,020 alleles (0.0021%); highest among the groups gnomAD compares: Non-Finnish European, 0.0029%; no homozygotes.

Submission:

PreventionGenetics, part of Exact Sciences
Classification: Uncertain significance for SLC27A5-related condition. Last evaluated: 2024-07-17. Review status: no assertion criteria provided. Collection method: clinical testing. Allele origin: germline.
Comment: The SLC27A5 c.1585G>C variant is predicted to result in the amino acid substitution p.Val529Leu. To our knowledge, this variant has not been reported in the literature. This variant is reported in 0.0026% of alleles in individuals of European (Non-Finnish) descent in gnomAD. At this time, the clinical significance of this variant is uncertain due to the absence of conclusive functional and genetic evidence.